The following is an entry in ClinVar:

ClinVar aggregate classification (germline): Uncertain significance. Review status: reviewed by expert panel (3 of 4 stars). 5 submissions from 5 submitters: Uncertain significance (1). 4 of the submissions do not count toward it. Last evaluated 2020-12-23.

Conditions:
PAH-related disorder. Also called: PAH-related condition.
Phenylketonuria (PKU). Also called: OLIGOPHRENIA PHENYLPYRUVICA; Phenylketonurias; FOLLING DISEASE; Phenylketonuria (PKU). Identifiers: Orphanet 716, MedGen C0031485, MONDO:0009861, OMIM 261600. Disease mechanism: loss of function.

Allele frequency attached by ClinVar (database versions not stated): TOPMed 0.00013; 1000 Genomes Project 0.00339; gnomAD 0.00007 and 0.00042; gnomAD exomes 0.00092; 1000 Genomes Project 30x 0.00359.
gnomAD v4.1: 599 of 723,064 alleles (0.083%); highest among the groups gnomAD compares: South Asian, 0.72%; 8 homozygotes.

Submissions (5):

ClinGen PAH Variant Curation Expert Panel
Classification: Uncertain significance for Phenylketonuria. Last evaluated: 2020-12-23. Review status: reviewed by expert panel. Criteria: ClinGen PAH ACMG Specifications v1. Collection method: curation. Allele origin: germline. Inheritance: Autosomal recessive inheritance.
Comment: The NM_000277.3(PAH):c.*144A>G (ClinVar variant ID 657680) is a 3â€™ UTR variant in PAH. The variant has been previously reported as a single heterozygous variant in a proband with classic PKU (PMID: 20188615), with plasma Phe 1105 umol/L; BH4 deficiency does not appear to have been formally excluded (PP4). The authors speculated that the variant could â€œeither affect the half life of the mRNA or its translation efficiency,â€ but did not perform functional validation studies. The variant was absent in the mother, who was unaffected, and present as a single heterozygous variant in the father, who was also unaffected. The authors were unable to detect a second variant in the (affected) proband, which they argued could be due to it being â€œlocated in PAH intronic regions not covered in the screening strategy.â€ It has also been found as a single heterozygous variant in a screening study of 3,552 healthy Japanese adults (PMID: 30887117). In ClinVar (ClinVar variant ID 657680), it is classified as VUS by one lab and Likely Benign by one lab, based on the above literature reports and uncertain functional consequences. Four heterozygotes and zero homozygotes are present for the variant in gnomAD; corresponding to a global AF of 0.000127 and maximum population frequency of 0.00128 (East Asian population), less than the 0.002 frequency threshold for use of BS1 and greater than the 0.0002 frequency threshold for use of PM2. The variant is predicted to not significantly alter splicing by multiple predictors (Splice AI score 0.00, MaxEntScan score variation 0.00%) (BP4). Classification: VUS Supporting Criteria: PP4; BP4

Blueprint Genetics
Classification: Uncertain significance. Last evaluated: 2024-11-15. Review status: criteria provided, single submitter. Criteria: ACMG Guidelines, 2015. Collection method: clinical testing. Allele origin: germline. Not counted in ClinVar's aggregate classification.

Labcorp Genetics (formerly Invitae), Labcorp
Classification: Likely benign for Phenylketonuria. Last evaluated: 2024-04-15. Review status: criteria provided, single submitter. Criteria: Invitae Variant Classification Sherloc (09022015). Collection method: clinical testing. Allele origin: germline. Not counted in ClinVar's aggregate classification.

Illumina Laboratory Services, Illumina
Classification: Likely benign for Phenylketonuria. Last evaluated: 2017-04-28. Review status: criteria provided, single submitter. Criteria: ICSL Variant Classification Criteria 13 December 2019. Collection method: clinical testing. Allele origin: germline. Not counted in ClinVar's aggregate classification.
Comment: This variant was observed as part of a predisposition screen in an ostensibly healthy population. A literature search was performed for the gene, cDNA change, and amino acid change (where applicable). Publications were found based on this search. The evidence from the literature, in combination with allele frequency data from public databases where available, was sufficient to determine this variant is unlikely to cause disease. Therefore, this variant is classified as likely benign.

PreventionGenetics, part of Exact Sciences
Classification: Likely benign for PAH-related condition. Last evaluated: 2021-03-08. Review status: no assertion criteria provided. Collection method: clinical testing. Allele origin: germline. Not counted in ClinVar's aggregate classification.
Comment: This variant is classified as likely benign based on ACMG/AMP sequence variant interpretation guidelines (Richards et al. 2015 PMID: 25741868, with internal and published modifications).

Literature cited by the submitters: PubMed 24130151 (cited by Illumina Laboratory Services, Illumina); PubMed 20188615 (cited by Illumina Laboratory Services, Illumina).

NM_000277.3(PAH):c.*144A>G

Gene: PAH (phenylalanine hydroxylase; minus strand). Cytogenetic location: 12q23.2.
Variant type: single nucleotide variant.
Coding change: c.*144A>G on transcript NM_000277.3 (MANE Select); 144 bases downstream of the stop codon, A replaced by G.
Molecular consequence: 3 prime UTR variant.
Genome position (GRCh38, 1-based): chr12:102,839,031, T>C on the plus strand (A>G on the coding strand, the complement: PAH is on the minus strand). VCF-style: chr12-102839031-T-C. GRCh37 (hg19) VCF-style: chr12-103232809-T-C.
Other names: c.*144A>G (NM_001354304.2).
Identifiers: ClinVar variation 657680 (VCV000657680.16), dbSNP rs375319584, ClinGen allele CA16020999.